The following is an entry in ClinVar:

ClinVar aggregate classification (germline): Pathogenic (1 of 4 stars; one submission).

Conditions:
Ehlers-Danlos syndrome, dermatosparaxis type. Also called: EDS VIIC; Dermatosparaxis; Ehlers-Danlos syndrome, type VII, autosomal recessive. Identifiers: Orphanet 1901, MedGen C2700425, MONDO:0009161, OMIM 225410.

Submission:

Myriad Genetics, Inc.
Classification: Pathogenic for Ehlers-Danlos syndrome, dermatosparaxis type. Last evaluated: 2023-09-27. Review status: criteria provided, single submitter. Criteria: Myriad Autosomal Dominant, Autosomal Recessive and X-Linked Classification Criteria (2023). Collection method: clinical testing. Allele origin: unknown.
Comment: NM_014244.4(ADAMTS2):c.1064dupG(H356Pfs*3) is expected to be pathogenic in the context of Ehlers-Danlos syndrome, ADAMTS2-related. This variant is predicted to lead to an abnormal or absent protein product due to the creation of a premature termination codon in ADAMTS2, a gene where loss-of-function variants are known to be pathogenic. Please note: this variant was assessed in the context of healthy population screening.

NM_014244.5(ADAMTS2):c.1064dup (p.His356fs)

Gene: ADAMTS2 (ADAM metallopeptidase with thrombospondin type 1 motif 2; minus strand). Cytogenetic location: 5q35.3.
Variant type: Duplication.
Coding change: c.1064dup on transcript NM_014244.5 (MANE Select); coding-DNA position 1064, one base duplicated (G; older notation c.1064dupG).
Protein change: p.His356fs; shifts the reading frame from histidine 356.
Molecular consequence: frameshift variant.
Genome position (GRCh38, 1-based): chr5:179,158,791, C duplicated on the plus strand (G on the coding strand, the reverse complement: ADAMTS2 is on the minus strand); the first of 3 consecutive C bases (chr5:179,158,791-179,158,793); duplicating any one gives the same sequence. VCF-style (leftmost placement, unchanged base first): chr5-179158790-G-GC. GRCh37 (hg19) VCF-style: chr5-178585791-G-GC.
Other names: c.1064dup, p.His356fs (NM_021599.4); short protein forms H356fs.
Identifiers: ClinVar variation 5012100 (VCV005012100.1).